The following is an entry in ClinVar:

NM_005751.5(AKAP9):c.1711T>A (p.Leu571Met)

Gene: AKAP9 (A-kinase anchoring protein 9; plus strand). Cytogenetic location: 7q21.2.
Variant type: single nucleotide variant.
Coding change: c.1711T>A on transcript NM_005751.5 (MANE Select); coding-DNA position 1711, T replaced by A.
Protein change: p.Leu571Met; replaces leucine 571 with methionine.
Molecular consequence: missense variant.
Genome position (GRCh38, 1-based): chr7:92,001,628, T>A. VCF-style: chr7-92001628-T-A. GRCh37 (hg19) VCF-style: chr7-91630942-T-A.
Other names: c.1711T>A, p.Leu571Met (NM_147185.3); short protein forms L571M.
Identifiers: ClinVar variation 2127950 (VCV002127950.4), dbSNP rs2484691007, ClinGen allele CA368122411.

ClinVar aggregate classification (germline): Uncertain significance (1 of 4 stars; one submission).

Conditions:
Long QT syndrome (LQTS). Identifiers: MedGen C0023976, MeSH D008133, MONDO:0002442. Disease mechanism: loss of function. Inheritance: Various modes of inheritance.

Submission:

Labcorp Genetics (formerly Invitae), Labcorp
Classification: Uncertain significance for Long QT syndrome. Last evaluated: 2022-08-04. Review status: criteria provided, single submitter. Criteria: Invitae Variant Classification Sherloc (09022015). Collection method: clinical testing. Allele origin: germline.
Comment: In summary, the available evidence is currently insufficient to determine the role of this variant in disease. Therefore, it has been classified as a Variant of Uncertain Significance. Algorithms developed to predict the effect of missense changes on protein structure and function are either unavailable or do not agree on the potential impact of this missense change (SIFT: "Deleterious"; PolyPhen-2: "Probably Damaging"; Align-GVGD: "Class C0"). This variant has not been reported in the literature in individuals affected with AKAP9-related conditions. This variant is not present in population databases (gnomAD no frequency). This sequence change replaces leucine, which is neutral and non-polar, with methionine, which is neutral and non-polar, at codon 571 of the AKAP9 protein (p.Leu571Met).